The following is an entry in ClinVar:

ClinVar aggregate classification (germline): Uncertain significance (1 of 4 stars; one submission).

Conditions:
Bardet-Biedl syndrome (BBS). Identifiers: Orphanet 110, MedGen C0752166, MONDO:0015229.

Allele frequency attached by ClinVar (database versions not stated): TOPMed below 0.00001; ExAC 0.00001; gnomAD 0.00001; gnomAD exomes 0.00001; ESP Exome Variant Server 0.00008.
gnomAD v4.1: 4 of 1,612,996 alleles (0.00025%); highest among the groups gnomAD compares: Non-Finnish European, 0.00034%; no homozygotes.

Submission:

Labcorp Genetics (formerly Invitae), Labcorp
Classification: Uncertain significance for Bardet-Biedl syndrome. Last evaluated: 2025-04-28. Review status: criteria provided, single submitter. Criteria: Invitae Variant Classification Sherloc (09022015). Collection method: clinical testing. Allele origin: germline.
Comment: This sequence change replaces arginine, which is basic and polar, with serine, which is neutral and polar, at codon 868 of the BBS9 protein (p.Arg868Ser). This variant is present in population databases (rs371761356, gnomAD 0.002%). This variant has not been reported in the literature in individuals affected with BBS9-related conditions. ClinVar contains an entry for this variant (Variation ID: 2199033). An algorithm developed to predict the effect of missense changes on protein structure and function (PolyPhen-2) suggests that this variant is likely to be tolerated. In summary, the available evidence is currently insufficient to determine the role of this variant in disease. Therefore, it has been classified as a Variant of Uncertain Significance.

NM_198428.3(BBS9):c.2604A>C (p.Arg868Ser)

Gene: BBS9 (Bardet-Biedl syndrome 9; plus strand). Cytogenetic location: 7p14.3.
Variant type: single nucleotide variant.
Coding change: c.2604A>C on transcript NM_198428.3 (MANE Select); coding-DNA position 2604, A replaced by C.
Protein change: p.Arg868Ser; replaces arginine 868 with serine.
Molecular consequence: missense variant. On other transcripts: non-coding transcript variant (3), intron variant (1).
Genome position (GRCh38, 1-based): chr7:33,604,947, A>C. VCF-style: chr7-33604947-A-C. GRCh37 (hg19) VCF-style: chr7-33644559-A-C.
Other names: c.2499A>C, p.Arg833Ser (NM_001033604.2); c.2589A>C, p.Arg863Ser (NM_001033605.2); c.2604A>C, p.Arg868Ser (NM_001348036.1, NM_001348041.4, NM_001348043.3 and 1 more transcripts); c.2055A>C, p.Arg685Ser (NM_001348037.3); c.2331A>C, p.Arg777Ser (NM_001348038.3); c.2226A>C, p.Arg742Ser (NM_001348039.3); c.2484A>C, p.Arg828Ser (NM_001348040.3, NM_014451.4); c.2469A>C, p.Arg823Ser (NM_001348042.3); and 3 more; short protein forms R711S, R863S, R868S, R742S, R746S, R828S, R685S, R777S.
Identifiers: ClinVar variation 2199033 (VCV002199033.2), dbSNP rs371761356, ClinGen allele CA4214742.